The following is an entry in ClinVar:

ClinVar aggregate classification (germline): Likely benign. Review status: criteria provided, multiple submitters, no conflicts (2 of 4 stars). 8 submissions from 8 submitters: Likely benign (8). Last evaluated 2026-03-10.

Conditions:
Cardiovascular phenotype. Identifiers: MedGen CN230736.
Left ventricular noncompaction 10 (LVNC10). Identifiers: Orphanet 154, Orphanet 54260, MedGen C3715165, MONDO:0014163, OMIM 615396.
Hypertrophic cardiomyopathy 4. Also called: Familial hypertrophic cardiomyopathy 4. Identifiers: MedGen C1861862, MONDO:0007268, OMIM 115197.
Hypertrophic cardiomyopathy. Also called: HYPERTROPHIC MYOCARDIOPATHY. Identifiers: Orphanet 217569, MedGen C0007194, MeSH D002312, MONDO:0005045, HP:0001639.
MYBPC3-related disorder. Also called: MYBPC3-related disorders; MYBPC3-related condition; MYBPC3-related disease.
Cardiomyopathy (CMYO). Also called: Cardiomyopathies. Identifiers: Orphanet 167848, MedGen C0878544, MONDO:0004994, HP:0001638. Inheritance: Various modes of inheritance.

Allele frequency attached by ClinVar (database versions not stated): gnomAD 0.00004; ExAC 0.00005; TOPMed 0.00005; gnomAD exomes 0.00006.
gnomAD v4.1: 96 of 1,608,492 alleles (0.006%); highest among the groups gnomAD compares: South Asian, 0.0099%; no homozygotes.

Submissions (8):

PreventionGenetics, part of Exact Sciences
Classification: Likely benign for MYBPC3-related condition. Last evaluated: 2026-03-10. Review status: criteria provided, single submitter. Criteria: ACMG Guidelines, 2015. Collection method: clinical testing. Allele origin: germline.
Comment: This variant is classified as likely benign based on ACMG/AMP sequence variant interpretation guidelines (Richards et al. 2015 PMID: 25741868, with internal and published modifications).

Labcorp Genetics (formerly Invitae), Labcorp
Classification: Likely benign for Hypertrophic cardiomyopathy. Last evaluated: 2025-11-24. Review status: criteria provided, single submitter. Criteria: Invitae Variant Classification Sherloc (09022015). Collection method: clinical testing. Allele origin: germline.

All of Us Research Program, National Institutes of Health
Classification: Likely benign for Hypertrophic cardiomyopathy. Last evaluated: 2024-02-05. Review status: criteria provided, single submitter. Criteria: ACMG Guidelines, 2015. Collection method: clinical testing. Allele origin: germline. Inheritance: Autosomal dominant inheritance. Observed: 7 variant alleles, 7 heterozygotes.
Comment: This study involves interpretation of variants in research participants for the purpose of population health screening. Participant phenotype was not available at the time of variant classification. Additional details can be found in publication PMID: 35346344, PMCID: PMC8962531

Blueprint Genetics
Classification: Likely benign. Last evaluated: 2022-12-02. Review status: criteria provided, single submitter. Criteria: ACMG Guidelines, 2015. Collection method: clinical testing. Allele origin: germline.

Fulgent Genetics
Classification: Likely benign for Hypertrophic cardiomyopathy 4; Left ventricular noncompaction 10. Last evaluated: 2021-11-04. Review status: criteria provided, single submitter. Criteria: ACMG Guidelines, 2015. Collection method: clinical testing. Allele origin: unknown.

CHEO Genetics Diagnostic Laboratory, Children's Hospital of Eastern Ontario
Classification: Likely benign for Cardiomyopathy. Last evaluated: 2021-03-18. Review status: criteria provided, single submitter. Criteria: ACMG Guidelines, 2015. Collection method: clinical testing. Allele origin: germline.

Ambry Genetics
Classification: Likely benign for Cardiovascular phenotype. Last evaluated: 2020-11-09. Review status: criteria provided, single submitter. Criteria: Ambry Variant Classification Scheme 2023. Collection method: clinical testing. Allele origin: germline.

Color Diagnostics, LLC DBA Color Health
Classification: Likely benign for Cardiomyopathy. Last evaluated: 2018-12-01. Review status: criteria provided, single submitter. Criteria: ACMG Guidelines, 2015. Collection method: clinical testing. Allele origin: germline.

NM_000256.3(MYBPC3):c.630C>T (p.His210=)

Gene: MYBPC3 (myosin binding protein C3; minus strand). Cytogenetic location: 11p11.2.
Variant type: single nucleotide variant.
Coding change: c.630C>T on transcript NM_000256.3 (MANE Select); coding-DNA position 630, C replaced by T.
Protein change: p.His210=; no amino-acid change (histidine 210 retained).
Molecular consequence: synonymous variant.
Genome position (GRCh38, 1-based): chr11:47,349,798, G>A on the plus strand (C>T on the coding strand, the complement: MYBPC3 is on the minus strand). VCF-style: chr11-47349798-G-A. GRCh37 (hg19) VCF-style: chr11-47371349-G-A.
Identifiers: ClinVar variation 928311 (VCV000928311.18), dbSNP rs762695516, ClinGen allele CA056126.